The following is an entry in ClinVar:

NM_000136.3(FANCC):c.491A>T (p.Asn164Ile)

Gene: FANCC (FA complementation group C; minus strand). Cytogenetic location: 9q22.32.
Variant type: single nucleotide variant.
Coding change: c.491A>T on transcript NM_000136.3 (MANE Select); coding-DNA position 491, A replaced by T.
Protein change: p.Asn164Ile; replaces asparagine 164 with isoleucine.
Molecular consequence: missense variant.
Genome position (GRCh38, 1-based): chr9:95,171,109, T>A on the plus strand (A>T on the coding strand, the complement: FANCC is on the minus strand). VCF-style: chr9-95171109-T-A. GRCh37 (hg19) VCF-style: chr9-97933391-T-A.
Other names: c.491A>T, p.Asn164Ile (NM_001243743.2, NM_001243744.2); short protein forms N164I.
Identifiers: ClinVar variation 526314 (VCV000526314.13), dbSNP rs950623649, ClinGen allele CA374338605.

ClinVar aggregate classification (germline): Uncertain significance. Review status: criteria provided, multiple submitters, no conflicts (2 of 4 stars). 3 submissions from 3 submitters: Uncertain significance (2). 1 of the submissions does not count toward it. Last evaluated 2023-11-18.

Conditions:
Hereditary cancer-predisposing syndrome. Also called: Neoplastic Syndromes, Hereditary; Tumor predisposition; Hereditary Cancer Syndrome; Hereditary neoplastic syndrome. Identifiers: Orphanet 140162, MedGen C0027672, MeSH D009386, MONDO:0015356.
Fanconi anemia (FA). Also called: Fanconi's anemia. Identifiers: Orphanet 84, MedGen C0015625, MeSH D005199, MONDO:0019391.

Allele frequency attached by ClinVar (database versions not stated): gnomAD exomes below 0.00001.
gnomAD v4.1: 1 of 1,613,620 alleles (0.000062%); highest among the groups gnomAD compares: South Asian, 0.0011%; no homozygotes.

Submissions (3):

Labcorp Genetics (formerly Invitae), Labcorp
Classification: Uncertain significance for Fanconi anemia. Last evaluated: 2023-11-18. Review status: criteria provided, single submitter. Criteria: Invitae Variant Classification Sherloc (09022015). Collection method: clinical testing. Allele origin: germline.
Comment: This sequence change replaces asparagine, which is neutral and polar, with isoleucine, which is neutral and non-polar, at codon 164 of the FANCC protein (p.Asn164Ile). This variant is not present in population databases (gnomAD no frequency). This variant has not been reported in the literature in individuals affected with FANCC-related conditions. ClinVar contains an entry for this variant (Variation ID: 526314). Advanced modeling of protein sequence and biophysical properties (such as structural, functional, and spatial information, amino acid conservation, physicochemical variation, residue mobility, and thermodynamic stability) performed at Invitae indicates that this missense variant is not expected to disrupt FANCC protein function with a negative predictive value of 80%. In summary, the available evidence is currently insufficient to determine the role of this variant in disease. Therefore, it has been classified as a Variant of Uncertain Significance.

Ambry Genetics
Classification: Uncertain significance for Hereditary cancer-predisposing syndrome. Last evaluated: 2022-12-18. Review status: criteria provided, single submitter. Criteria: Ambry Variant Classification Scheme 2023. Collection method: clinical testing. Allele origin: germline.
Comment: The p.N164I variant (also known as c.491A>T), located in coding exon 5 of the FANCC gene, results from an A to T substitution at nucleotide position 491. The asparagine at codon 164 is replaced by isoleucine, an amino acid with dissimilar properties. This amino acid position is conserved. In addition, this alteration is predicted to be tolerated by in silico analysis. Since supporting evidence is limited at this time, the clinical significance of this alteration remains unclear.

Natera, Inc.
Classification: Uncertain significance for Fanconi anemia. Last evaluated: 2021-01-26. Review status: no assertion criteria provided. Collection method: clinical testing. Allele origin: germline. Not counted in ClinVar's aggregate classification.